The following is an entry in ClinVar:

ClinVar aggregate classification (germline): Uncertain significance. Review status: criteria provided, multiple submitters, no conflicts (2 of 4 stars). 2 submissions from 2 submitters: Uncertain significance (2). Last evaluated 2025-10-12.

Allele frequency attached by ClinVar (database versions not stated): gnomAD exomes 0.00002 and 0.00006; ExAC 0.00008; ESP Exome Variant Server 0.00008; TOPMed 0.00014.
gnomAD v4.1: 36 of 1,595,850 alleles (0.0023%); highest among the groups gnomAD compares: African/African-American, 0.028%; no homozygotes.

Submissions (2):

Labcorp Genetics (formerly Invitae), Labcorp
Classification: Uncertain significance. Last evaluated: 2025-10-12. Review status: criteria provided, single submitter. Criteria: Invitae Variant Classification Sherloc (09022015). Collection method: clinical testing. Allele origin: germline.
Comment: This sequence change replaces serine, which is neutral and polar, with leucine, which is neutral and non-polar, at codon 499 of the CACNA2D4 protein (p.Ser499Leu). The frequency data for this variant in the population databases is considered unreliable, as metrics indicate poor data quality at this position in the gnomAD database. This variant has not been reported in the literature in individuals affected with CACNA2D4-related conditions. ClinVar contains an entry for this variant (Variation ID: 965670). An algorithm developed to predict the effect of missense changes on protein structure and function outputs the following: PolyPhen-2: "Benign". The leucine amino acid residue is found in multiple mammalian species, which suggests that this missense change does not adversely affect protein function. In summary, the available evidence is currently insufficient to determine the role of this variant in disease. Therefore, it has been classified as a Variant of Uncertain Significance.

Blueprint Genetics
Classification: Uncertain significance. Last evaluated: 2024-10-02. Review status: criteria provided, single submitter. Criteria: ACMG Guidelines, 2015. Collection method: clinical testing. Allele origin: germline.

NM_172364.5(CACNA2D4):c.1496C>T (p.Ser499Leu)

Gene: CACNA2D4 (calcium voltage-gated channel auxiliary subunit alpha2delta 4; minus strand). Cytogenetic location: 12p13.33.
Variant type: single nucleotide variant.
Coding change: c.1496C>T on transcript NM_172364.5 (MANE Select); coding-DNA position 1496, C replaced by T.
Protein change: p.Ser499Leu; replaces serine 499 with leucine.
Molecular consequence: missense variant.
Genome position (GRCh38, 1-based): chr12:1,879,871, G>A on the plus strand (C>T on the coding strand, the complement: CACNA2D4 is on the minus strand). VCF-style: chr12-1879871-G-A. GRCh37 (hg19) VCF-style: chr12-1989037-G-A.
Other names: short protein forms S499L.
Identifiers: ClinVar variation 965670 (VCV000965670.11), dbSNP rs375121955, ClinGen allele CA6387108.